The following is an entry in ClinVar:

NM_032119.4(ADGRV1):c.9185C>T (p.Ala3062Val)

Gene: ADGRV1 (adhesion G protein-coupled receptor V1; plus strand). Cytogenetic location: 5q14.3.
Variant type: single nucleotide variant.
Coding change: c.9185C>T on transcript NM_032119.4 (MANE Select); coding-DNA position 9185, C replaced by T.
Protein change: p.Ala3062Val; replaces alanine 3062 with valine.
Molecular consequence: missense variant. On other transcripts: non-coding transcript variant (1).
Genome position (GRCh38, 1-based): chr5:90,716,467, C>T. VCF-style: chr5-90716467-C-T. GRCh37 (hg19) VCF-style: chr5-90012284-C-T.
Other names: short protein forms A3062V.
Identifiers: ClinVar variation 1025326 (VCV001025326.6), dbSNP rs752689523, ClinGen allele CA3340463.

ClinVar aggregate classification (germline): Uncertain significance (1 of 4 stars; one submission).

Allele frequency attached by ClinVar (database versions not stated): gnomAD below 0.00001 and 0.00004; gnomAD exomes 0.00004; ExAC 0.00006.
gnomAD v4.1: 41 of 1,539,468 alleles (0.0027%); highest among the groups gnomAD compares: South Asian, 0.046%; no homozygotes.

Submission:

Labcorp Genetics (formerly Invitae), Labcorp
Classification: Uncertain significance. Last evaluated: 2022-02-03. Review status: criteria provided, single submitter. Criteria: Invitae Variant Classification Sherloc (09022015). Collection method: clinical testing. Allele origin: germline.
Comment: This sequence change replaces alanine, which is neutral and non-polar, with valine, which is neutral and non-polar, at codon 3062 of the ADGRV1 protein (p.Ala3062Val). This variant is present in population databases (rs752689523, gnomAD 0.03%). This variant has not been reported in the literature in individuals affected with ADGRV1-related conditions. ClinVar contains an entry for this variant (Variation ID: 1025326). Algorithms developed to predict the effect of missense changes on protein structure and function are either unavailable or do not agree on the potential impact of this missense change (SIFT: "Deleterious"; PolyPhen-2: "Probably Damaging"; Align-GVGD: "Class C0"). In summary, the available evidence is currently insufficient to determine the role of this variant in disease. Therefore, it has been classified as a Variant of Uncertain Significance.